The following is an entry in ClinVar:

NM_007294.4(BRCA1):c.5559C>A (p.Tyr1853Ter)

Gene: BRCA1 (BRCA1 DNA repair associated; minus strand). Cytogenetic location: 17q21.31.
Variant type: single nucleotide variant.
Coding change: c.5559C>A on transcript NM_007294.4 (MANE Select); coding-DNA position 5559, C replaced by A.
Protein change: p.Tyr1853Ter; replaces tyrosine 1853 with a stop codon.
Molecular consequence: nonsense. On other transcripts: 3 prime UTR variant (1), non-coding transcript variant (1).
Genome position (GRCh38, 1-based): chr17:43,045,711, G>T on the plus strand (C>A on the coding strand, the complement: BRCA1 is on the minus strand). VCF-style: chr17-43045711-G-T. GRCh37 (hg19) VCF-style: chr17-41197728-G-T.
Other names: c.2130C>A, p.Tyr710Ter (NM_001408423.1, NM_001408424.1, NM_001408421.1 and 1 more transcripts); c.2127C>A, p.Tyr709Ter (NM_001408425.1, NM_001408426.1, NM_001408427.1 and 4 more transcripts); c.2109C>A, p.Tyr703Ter (NM_001408456.1, NM_001408457.1, NM_001408452.1 and 3 more transcripts); c.2106C>A, p.Tyr702Ter (NM_001408458.1, NM_001408459.1, NM_001408460.1 and 7 more transcripts); c.5553C>A, p.Tyr1851Ter (NM_001407634.1, NM_001407635.1, NM_001407636.1 and 13 more transcripts); c.5550C>A, p.Tyr1850Ter (NM_001407644.1, NM_001407645.1); c.5556C>A, p.Tyr1852Ter (NM_001407615.1, NM_001407616.1, NM_001407617.1 and 14 more transcripts); c.5478C>A, p.Tyr1826Ter (NM_001407656.1, NM_001407657.1, NM_001407658.1); and 74 more; short protein forms Y1853*, Y1806*, Y1874*, Y749*, Y1556*, Y1557*, Y1742*, Y1781*.
Identifiers: ClinVar variation 55629 (VCV000055629.8), dbSNP rs80357336, ClinGen allele CA003715.
Genomic context (GRCh38, chr17:43,045,711, plus strand): 5'-TGGCTCTGTACCTGTGGCTGGCTGCAGTCAGTAGTGGCTGTGGGGGATCTGGGGTATCAG[G>T]TAGGTGTCCAGCTCCTGGCACTGGTAGAGTGCTACACTGTCCAACACCCACTCTCGGGTC-3'

ClinVar aggregate classification (germline): Pathogenic. Review status: reviewed by expert panel (3 of 4 stars). 3 submissions from 3 submitters: Pathogenic (1). 2 of the submissions do not count toward it. Last evaluated 2016-09-08.

Conditions:
Hereditary breast ovarian cancer syndrome. Also called: BRCA1- and BRCA2-Associated Hereditary Breast and Ovarian Cancer; Hereditary breast and ovarian cancer syndrome; Hereditary breast and ovarian cancer syndrome (HBOC); Breast and ovarian cancer; Hereditary breast and/or ovarian cancer syndrome; Hereditary breast and ovarian cancer. Identifiers: Orphanet 145, MedGen C0677776, MeSH D061325, MONDO:0003582. Disease mechanism: loss of function.
Breast-ovarian cancer, familial, susceptibility to, 1 (BROVCA1). Also called: BRCA1 Hereditary Breast and Ovarian Cancer; OVARIAN CANCER, SUSCEPTIBILITY TO. Identifiers: Orphanet 145, MedGen C2676676, MONDO:0011450, OMIM 604370. Disease mechanism: loss of function.

Submissions (4):

Evidence-based Network for the Interpretation of Germline Mutant Alleles (ENIGMA)
Classification: Pathogenic for Breast-ovarian cancer, familial, susceptibility to, 1. Last evaluated: 2016-09-08. Review status: reviewed by expert panel. Criteria: ENIGMA BRCA1/2 Classification Criteria (2015). Collection method: curation. Allele origin: germline.
Comment: Variant allele predicted to encode a truncated non-functional protein.

Labcorp Genetics (formerly Invitae), Labcorp
Classification: Pathogenic for Hereditary breast ovarian cancer syndrome. Last evaluated: 2023-10-17. Review status: criteria provided, single submitter. Criteria: Invitae Variant Classification Sherloc (09022015). Collection method: clinical testing. Allele origin: germline. Not counted in ClinVar's aggregate classification.
Comment: This sequence change creates a premature translational stop signal (p.Tyr1853*) in the BRCA1 gene. While this is not anticipated to result in nonsense mediated decay, it is expected to disrupt the last 11 amino acid(s) of the BRCA1 protein. This variant is not present in population databases (gnomAD no frequency). This premature translational stop signal has been observed in individual(s) with breast cancer and/or ovarian cancer (PMID: 7894493, 20104584, 24504028). It has also been observed to segregate with disease in related individuals. ClinVar contains an entry for this variant (Variation ID: 55629). Algorithms developed to predict the effect of variants on protein structure and function are not available or were not evaluated for this variant. Experimental studies have shown that this premature translational stop signal affects BRCA1 function (PMID: 10811118, 11739404, 12400015, 21922593). For these reasons, this variant has been classified as Pathogenic.

Breast Cancer Information Core (BIC) (BRCA1)
Classification: Pathogenic for Breast-ovarian cancer, familial 1. Last evaluated: 2004-11-25. Review status: no assertion criteria provided. Collection method: clinical testing. Allele origin: germline. Affected: yes. Observed: 1 variant allele. Not counted in ClinVar's aggregate classification.

Brotman Baty Institute, University of Washington
No classification provided (evidence only). Condition: Breast-ovarian cancer, familial 1. Review status: no classification provided. Collection method: in vitro. Allele origin: not applicable. Functional consequence: functionally_abnormal. Not counted in ClinVar's aggregate classification.
ClinVar note: "not provided" was previously submitted as the classification for the variant. However, the classification appeared to be based only on an observation of functional data so it was converted to no classification on 2025-07-30.

Literature cited by the submitters: PubMed 7894493 (cited by Labcorp Genetics (formerly Invitae), Labcorp); PubMed 20104584 (cited by Labcorp Genetics (formerly Invitae), Labcorp); PubMed 24504028 (cited by Labcorp Genetics (formerly Invitae), Labcorp); PubMed 10811118 (cited by Labcorp Genetics (formerly Invitae), Labcorp); PubMed 11739404 (cited by Labcorp Genetics (formerly Invitae), Labcorp); PubMed 12400015 (cited by Labcorp Genetics (formerly Invitae), Labcorp); PubMed 21922593 (cited by Labcorp Genetics (formerly Invitae), Labcorp).